The following is an entry in ClinVar:

NM_000312.4(PROC):c.373G>T (p.Gly125Cys)

Gene: PROC (protein C, inactivator of coagulation factors Va and VIIIa; plus strand). Cytogenetic location: 2q14.3.
Variant type: single nucleotide variant.
Coding change: c.373G>T on transcript NM_000312.4 (MANE Select); coding-DNA position 373, G replaced by T.
Protein change: p.Gly125Cys; replaces glycine 125 with cysteine.
Molecular consequence: missense variant. On other transcripts: synonymous variant (1).
Genome position (GRCh38, 1-based): chr2:127,423,144, G>T. VCF-style: chr2-127423144-G-T. GRCh37 (hg19) VCF-style: chr2-128180720-G-T.
Other names: p.Gly125Cys; c.556G>T, p.Gly186Cys (NM_001375602.1); c.436G>T, p.Gly146Cys (NM_001375603.1, NM_001375604.1); c.373G>T, p.Gly125Cys (NM_001375605.1, NM_001375608.1, NM_001375611.1 and 1 more transcripts); c.528G>T, p.Ala176= (NM_001375606.1); c.457G>T, p.Gly153Cys (NM_001375607.1); c.349G>T, p.Gly117Cys (NM_001375609.1); c.367G>T, p.Gly123Cys (NM_001375610.1); short protein forms G117C, G123C, G125C, G146C, G153C, G186C.
Identifiers: ClinVar variation 3380947 (VCV003380947.2).
Genomic context (GRCh38, chr2:127,423,144, plus strand): 5'-TGCTGCGGGCACGGCACGTGCATCGACGGCATCGGCAGCTTCAGCTGCGACTGCCGCAGC[G>T]GCTGGGAGGGCCGCTTCTGCCAGCGCGGTGAGGGGGAGAGGTGGATGCTGGCGGGCGGCG-3'
Protein context (NP_000303.1, residues 115-135): IGSFSCDCRS[Gly125Cys]WEGRFCQREV

ClinVar aggregate classification (germline): Pathogenic (1 of 4 stars; one submission).

Submission:

Mayo Clinic Laboratories, Mayo Clinic
Classification: Pathogenic. Last evaluated: 2025-09-18. Review status: criteria provided, single submitter. Criteria: ACMG Guidelines, 2015. Collection method: clinical testing. Allele origin: germline. Observed: 2 variant alleles.
Comment: PP1_moderate, PP3_moderate, PM2_supporting, PM3, PS4

Literature cited by the submitters: PubMed 10942953; PubMed 34708097; PubMed 38155150.